The following is an entry in ClinVar:

ClinVar aggregate classification (germline): Conflicting classifications of pathogenicity. Review status: criteria provided, conflicting classifications (1 of 4 stars). 8 submissions from 8 submitters: Likely pathogenic (2); Uncertain significance (2). 4 of the submissions do not count toward it. Last evaluated 2026-10-05.

Conditions:
Cardiovascular phenotype. Identifiers: MedGen CN230736.
Cardiomyopathy (CMYO). Also called: Cardiomyopathies. Identifiers: Orphanet 167848, MedGen C0878544, MONDO:0004994, HP:0001638. Inheritance: Various modes of inheritance.
Hypertrophic cardiomyopathy. Also called: HYPERTROPHIC MYOCARDIOPATHY. Identifiers: Orphanet 217569, MedGen C0007194, MeSH D002312, MONDO:0005045, HP:0001639.

Submissions (8):

GeneDx
Classification: Uncertain significance. Last evaluated: 2026-10-05. Review status: criteria provided, single submitter. Criteria: GeneDx Variant Classification Process June 2021. Collection method: clinical testing. Allele origin: germline.
Comment: Not observed at significant frequency in large population cohorts (gnomAD); In silico analysis supports that this missense variant has a deleterious effect on protein structure/function; This variant is associated with the following publications: (PMID: 12974739, 28679633, 32880476, 33782553, 34194005, 26497160, 18803133, 11499719, 42571822, 33495597, 28356264, 32841044)

Ambry Genetics
Classification: Uncertain significance for Cardiovascular phenotype. Last evaluated: 2025-11-04. Review status: criteria provided, single submitter. Criteria: Ambry Variant Classification Scheme 2023. Collection method: clinical testing. Allele origin: germline.
Comment: The p.C566R variant (also known as c.1696T>C), located in coding exon 18 of the MYBPC3 gene, results from a T to C substitution at nucleotide position 1696. The cysteine at codon 566 is replaced by arginine, an amino acid with highly dissimilar properties. This variant was reported in individual(s) with features consistent with hypertrophic cardiomyopathy (HCM) (Erdmann J et al. J Am Coll Cardiol, 2001 Aug;38:322-30; Rudziski T et al. Kardiol Pol, 2008 Aug;66:821-5; discussion 826-7; G&oacute;mez J et al. Circ Cardiovasc Genet, 2017 Apr;10:[ePub ahead of print]; Helms AS et al. Circ Genom Precis Med, 2020 Oct;13:396-405). This amino acid position is highly conserved in available vertebrate species. In addition, this alteration is predicted to be deleterious by in silico analysis. Based on the available evidence, the clinical significance of this variant remains unclear.

Labcorp Genetics (formerly Invitae), Labcorp
Classification: Likely pathogenic for Hypertrophic cardiomyopathy. Last evaluated: 2024-06-19. Review status: criteria provided, single submitter. Criteria: Invitae Variant Classification Sherloc (09022015). Collection method: clinical testing. Allele origin: germline.
Comment: This sequence change replaces cysteine, which is neutral and slightly polar, with arginine, which is basic and polar, at codon 566 of the MYBPC3 protein (p.Cys566Arg). This variant is not present in population databases (gnomAD no frequency). This missense change has been observed in individuals with hypertrophic cardiomyopathy (PMID: 11499719, 18803133, 28356264, 33782553). ClinVar contains an entry for this variant (Variation ID: 181124). An algorithm developed to predict the effect of missense changes on protein structure and function (PolyPhen-2) suggests that this variant is likely to be disruptive. In summary, the currently available evidence indicates that the variant is pathogenic, but additional data are needed to prove that conclusively. Therefore, this variant has been classified as Likely Pathogenic.

CHEO Genetics Diagnostic Laboratory, Children's Hospital of Eastern Ontario
Classification: Likely pathogenic for Cardiomyopathy. Last evaluated: 2022-08-19. Review status: criteria provided, single submitter. Criteria: ACMG Guidelines, 2015. Collection method: clinical testing. Allele origin: germline.

Clinical Genetics DNA and cytogenetics Diagnostics Lab, Erasmus MC, Erasmus Medical Center
Classification: Pathogenic. Review status: no assertion criteria provided. Collection method: clinical testing. Allele origin: germline. Affected: yes. Study: VKGL Data-share Consensus. Not counted in ClinVar's aggregate classification.

Diagnostic Laboratory, Department of Genetics, University Medical Center Groningen
Classification: Pathogenic. Review status: no assertion criteria provided. Collection method: clinical testing. Allele origin: germline. Affected: yes. Study: VKGL Data-share Consensus. Not counted in ClinVar's aggregate classification.

Genome Diagnostics Laboratory, University Medical Center Utrecht
Classification: Likely pathogenic. Review status: no assertion criteria provided. Collection method: clinical testing. Allele origin: germline. Affected: yes. Study: VKGL Data-share Consensus. Not counted in ClinVar's aggregate classification.

Joint Genome Diagnostic Labs from Nijmegen and Maastricht, Radboudumc and MUMC+
Classification: Pathogenic. Review status: no assertion criteria provided. Collection method: clinical testing. Allele origin: germline. Affected: yes. Study: VKGL Data-share Consensus. Not counted in ClinVar's aggregate classification.

Literature cited by the submitters: PubMed 11499719 (cited by Ambry Genetics and Labcorp Genetics (formerly Invitae), Labcorp); PubMed 18803133 (cited by Ambry Genetics and Labcorp Genetics (formerly Invitae), Labcorp); PubMed 26497160 (cited by Ambry Genetics); PubMed 28356264 (cited by Ambry Genetics and Labcorp Genetics (formerly Invitae), Labcorp); PubMed 32841044 (cited by Ambry Genetics); PubMed 33495597 (cited by Ambry Genetics); PubMed 33782553 (cited by Labcorp Genetics (formerly Invitae), Labcorp).

NM_000256.3(MYBPC3):c.1696T>C (p.Cys566Arg)

Gene: MYBPC3 (myosin binding protein C3; minus strand). Cytogenetic location: 11p11.2.
Variant type: single nucleotide variant.
Coding change: c.1696T>C on transcript NM_000256.3 (MANE Select); coding-DNA position 1696, T replaced by C.
Protein change: p.Cys566Arg; replaces cysteine 566 with arginine.
Molecular consequence: missense variant.
Genome position (GRCh38, 1-based): chr11:47,342,085, A>G on the plus strand (T>C on the coding strand, the complement: MYBPC3 is on the minus strand). VCF-style: chr11-47342085-A-G. GRCh37 (hg19) VCF-style: chr11-47363636-A-G.
Other names: p.C566R:TGT>CGT; c.1696T>C, p.Cys566Arg (LRG_386t1); short protein forms C566R.
Identifiers: ClinVar variation 181124 (VCV000181124.12), dbSNP rs730880695, ClinGen allele CA010945.